The following is an entry in ClinVar:

ClinVar aggregate classification (germline): Benign. Review status: criteria provided, multiple submitters, no conflicts (2 of 4 stars). 3 submissions from 3 submitters: Benign (2). 1 of the submissions does not count toward it. Last evaluated 2018-06-14.

Allele frequency attached by ClinVar (database versions not stated): gnomAD exomes 0.27192; gnomAD 0.31882 and 0.32356; TOPMed 0.33202; 1000 Genomes Project 30x 0.40162; 1000 Genomes Project 0.40555.
gnomAD v4.1: 441,884 of 1,592,224 alleles (28%); highest among the groups gnomAD compares: South Asian, 44%; 65,139 homozygotes.

Submissions (3):

GeneDx
Classification: Benign. Last evaluated: 2018-06-14. Review status: criteria provided, single submitter. Criteria: GeneDx Variant Classification (06012015). Collection method: clinical testing. Allele origin: germline. Affected: yes.
Comment: This variant is considered likely benign or benign based on one or more of the following criteria: it is a conservative change, it occurs at a poorly conserved position in the protein, it is predicted to be benign by multiple in silico algorithms, and/or has population frequency not consistent with disease.

Breakthrough Genomics
Classification: Benign. Review status: criteria provided, single submitter. Criteria: ACMG Guidelines, 2015. Collection method: not provided. Allele origin: germline. Inheritance: Autosomal recessive inheritance. Affected: yes.

RYR1 database
No classification provided. Review status: no classification provided. Collection method: not provided. Allele origin: unknown. Not counted in ClinVar's aggregate classification.

NM_000540.3(RYR1):c.8816+87G>T

Gene: RYR1 (ryanodine receptor 1; plus strand). Cytogenetic location: 19q13.2.
Variant type: single nucleotide variant.
Coding change: c.8816+87G>T on transcript NM_000540.3 (MANE Select); 87 bases into the intron after coding-DNA position 8816, G replaced by T.
Molecular consequence: intron variant.
Genome position (GRCh38, 1-based): chr19:38,507,039, G>T. VCF-style: chr19-38507039-G-T. GRCh37 (hg19) VCF-style: chr19-38997679-G-T.
Other names: c.8816+87G>T (NM_001042723.2).
Identifiers: ClinVar variation 133236 (VCV000133236.3), dbSNP rs2960347, ClinGen allele CA024950.